The following is an entry in ClinVar:

NM_144670.6(A2ML1):c.2134C>G (p.Pro712Ala)

Gene: A2ML1 (alpha-2-macroglobulin like 1; plus strand). Cytogenetic location: 12p13.31.
Variant type: single nucleotide variant.
Coding change: c.2134C>G on transcript NM_144670.6 (MANE Select); coding-DNA position 2134, C replaced by G.
Protein change: p.Pro712Ala; replaces proline 712 with alanine.
Molecular consequence: missense variant.
Genome position (GRCh38, 1-based): chr12:8,850,174, C>G. VCF-style: chr12-8850174-C-G. GRCh37 (hg19) VCF-style: chr12-9002770-C-G.
Other names: c.661C>G, p.Pro221Ala (NM_001282424.3); short protein forms P221A, P712A.
Identifiers: ClinVar variation 2421134 (VCV002421134.6), dbSNP rs2539251292, ClinGen allele CA383832057.
Genomic context (GRCh38, chr12:8,850,174, plus strand): 5'-AGAAGTCTCCTGTTTCCTAAAGTTTTCGTATTCTCAATTTCATCAGCAGGCGGTGGTCAT[C>G]CAGAGGCTTTTGAGTCATCAACTCCTTTACATCAAGCAGAGGATTCTCAGGTCCGCCAGT-3'
Protein context (NP_653271.3, residues 702-722): STAMGAGGGH[Pro712Ala]EAFESSTPLH

ClinVar aggregate classification (germline): Uncertain significance (1 of 4 stars; one submission).

Allele frequency attached by ClinVar (database versions not stated): gnomAD exomes below 0.00001.

Submission:

Labcorp Genetics (formerly Invitae), Labcorp
Classification: Uncertain significance. Last evaluated: 2022-10-23. Review status: criteria provided, single submitter. Criteria: Invitae Variant Classification Sherloc (09022015). Collection method: clinical testing. Allele origin: germline.
Comment: This sequence change replaces proline, which is neutral and non-polar, with alanine, which is neutral and non-polar, at codon 712 of the A2ML1 protein (p.Pro712Ala). This variant is not present in population databases (gnomAD no frequency). This variant has not been reported in the literature in individuals affected with A2ML1-related conditions. Algorithms developed to predict the effect of missense changes on protein structure and function (SIFT, PolyPhen-2, Align-GVGD) all suggest that this variant is likely to be tolerated. In summary, the available evidence is currently insufficient to determine the role of this variant in disease. Therefore, it has been classified as a Variant of Uncertain Significance.